The following is an entry in ClinVar:

ClinVar aggregate classification (germline): Conflicting classifications of pathogenicity. Review status: criteria provided, conflicting classifications (1 of 4 stars). 2 submissions from 2 submitters: Likely pathogenic (1); Uncertain significance (1). Last evaluated 2025-06-12.

Conditions:
Focal segmental glomerulosclerosis 2 (FSGS2). Identifiers: Orphanet 656, MedGen C1858915, MONDO:0011390, OMIM 603965.

Submissions (2):

Labcorp Genetics (formerly Invitae), Labcorp
Classification: Uncertain significance. Last evaluated: 2025-06-12. Review status: criteria provided, single submitter. Criteria: Invitae Variant Classification Sherloc (09022015). Collection method: clinical testing. Allele origin: germline.
Comment: This sequence change affects an acceptor splice site in intron 9 of the TRPC6 gene. It is expected to disrupt RNA splicing. Variants that disrupt the donor or acceptor splice site typically lead to a loss of protein function (PMID: 16199547), however the current clinical and genetic evidence is not sufficient to establish whether loss-of-function variants in TRPC6 cause disease. This variant is not present in population databases (gnomAD no frequency). This variant has not been reported in the literature in individuals affected with TRPC6-related conditions. ClinVar contains an entry for this variant (Variation ID: 2768030). Algorithms developed to predict the effect of sequence changes on RNA splicing suggest that this variant may disrupt the consensus splice site. In summary, the available evidence is currently insufficient to determine the role of this variant in disease. Therefore, it has been classified as a Variant of Uncertain Significance.

Fulgent Genetics
Classification: Likely pathogenic for Focal segmental glomerulosclerosis 2. Last evaluated: 2024-02-14. Review status: criteria provided, single submitter. Criteria: ACMG Guidelines, 2015. Collection method: clinical testing. Allele origin: germline.

Literature cited by the submitters: PubMed 16199547 (cited by Labcorp Genetics (formerly Invitae), Labcorp).

NM_004621.6(TRPC6):c.2410-2A>C

Gene: TRPC6 (transient receptor potential cation channel subfamily C member 6; minus strand). Cytogenetic location: 11q22.1.
Variant type: single nucleotide variant.
Coding change: c.2410-2A>C on transcript NM_004621.6 (MANE Select); the canonical splice acceptor site of the intron before coding-DNA position 2410, A replaced by C.
Molecular consequence: splice acceptor variant.
Genome position (GRCh38, 1-based): chr11:101,469,503, T>G on the plus strand (A>C on the coding strand, the complement: TRPC6 is on the minus strand). VCF-style: chr11-101469503-T-G. GRCh37 (hg19) VCF-style: chr11-101340234-T-G.
Identifiers: ClinVar variation 2768030 (VCV002768030.4), dbSNP rs2497323448, ClinGen allele CA382438624.